The following is an entry in ClinVar:

ClinVar aggregate classification (germline): Likely pathogenic (1 of 4 stars; one submission).

Conditions:
Pretibial dystrophic epidermolysis bullosa. Also called: EPIDERMOLYSIS BULLOSA DYSTROPHICA, PRETIBIAL; Pretibial epidermolysis bullosa; Pretibial blistering. Identifiers: Orphanet 79410, MedGen C0432321, MONDO:0007552, OMIM 131850, HP:0012221.
Dominant dystrophic epidermolysis bullosa with absence of skin. Also called: EPIDERMOLYSIS BULLOSA WITH CONGENITAL LOCALIZED ABSENCE OF SKIN AND DEFORMITY OF NAILS; EPIDERMOLYSIS BULLOSA DYSTROPHICA, BART TYPE. Identifiers: MedGen C0268371, MONDO:0007557, OMIM 132000.
Generalized dominant dystrophic epidermolysis bullosa (DDEB). Also called: Dominant DEB (DDEB); DYSTROPHIC EPIDERMOLYSIS BULLOSA, AUTOSOMAL DOMINANT; Epidermolysis bullosa dystrophica, autosomal dominant; DDEB, generalized; DDEB-gen. Identifiers: Orphanet 231568, MedGen C0432322, MONDO:0007549, OMIM 131750.
Nonsyndromic congenital nail disorder 8. Also called: TOENAIL DYSTROPHY, ISOLATED. Identifiers: MedGen C1843761, MONDO:0011852, OMIM 607523.
Epidermolysis bullosa pruriginosa. Also called: DEB, PRURIGINOSA; DYSTROPHIC EPIDERMOLYSIS BULLOSA PRURIGINOSA. Identifiers: Orphanet 89843, MedGen C1275114, MONDO:0011398, OMIM 604129.
Transient bullous dermolysis of the newborn (TBDN). Also called: EPIDERMOLYSIS BULLOSA DYSTROPHICA, NEONATAL FORM; DYSTROPHIC EPIDERMOLYSIS BULLOSA, NEONATAL. Identifiers: Orphanet 79411, MedGen C1851573, MONDO:0007548, OMIM 131705.
Recessive dystrophic epidermolysis bullosa (RDEB). Also called: Recessive DEB (RDEB); Epidermolysis Bullosa Distrophica Autosomal Recessive (RDEB); Hallopeau-Siemens Disease; severe generalized recessive dystrophic epidermolysis bullosa; epidermolysis bullosa dystrophica, autosomal recessive; DYSTROPHIC EPIDERMOLYSIS BULLOSA, AUTOSOMAL RECESSIVE. Identifiers: Orphanet 79408, Orphanet 79409, MedGen C0079474, MONDO:0009179, OMIM 226600.

Submission:

Juno Genomics, Hangzhou Juno Genomics, Inc
Classification: Likely pathogenic for Transient bullous dermolysis of the newborn; Recessive dystrophic epidermolysis bullosa; Generalized dominant dystrophic epidermolysis bullosa; Dominant dystrophic epidermolysis bullosa with absence of skin; Nonsyndromic congenital nail disorder 8; Epidermolysis bullosa pruriginosa; Pretibial dystrophic epidermolysis bullosa. Review status: criteria provided, single submitter. Criteria: ACMG Guidelines, 2015. Collection method: clinical testing. Allele origin: germline.
Comment: Null variant in a gene where loss of function (LOF) is a known mechanism of disease.;Absent from controls (or at extremely low frequency if recessive) in Genome Aggregation Database.

NM_000094.4(COL7A1):c.85+2T>A

Gene: COL7A1 (collagen type VII alpha 1 chain; minus strand). Cytogenetic location: 3p21.31.
Variant type: single nucleotide variant.
Coding change: c.85+2T>A on transcript NM_000094.4 (MANE Select); the canonical splice donor site of the intron after coding-DNA position 85, T replaced by A.
Molecular consequence: splice donor variant.
Genome position (GRCh38, 1-based): chr3:48,595,073, A>T on the plus strand (T>A on the coding strand, the complement: COL7A1 is on the minus strand). VCF-style: chr3-48595073-A-T. GRCh37 (hg19) VCF-style: chr3-48632506-A-T.
Identifiers: ClinVar variation 5006637 (VCV005006637.2).